The following is an entry in ClinVar:

NM_001122630.2(CDKN1C):c.660del (p.Gln221fs)

Gene: CDKN1C (cyclin dependent kinase inhibitor 1C; minus strand). Cytogenetic location: 11p15.4.
Variant type: Deletion.
Coding change: c.660del on transcript NM_001122630.2 (MANE Select); coding-DNA position 660, one base deleted (G; older notation c.660delG).
Protein change: p.Gln221fs; shifts the reading frame from glutamine 221.
Molecular consequence: frameshift variant. On other transcripts: intron variant (1).
Genome position (GRCh38, 1-based): chr11:2,884,797, C deleted on the plus strand (G on the coding strand, the reverse complement: CDKN1C is on the minus strand); the first of 4 consecutive C bases (chr11:2,884,797-2,884,800); deleting any one gives the same sequence. VCF-style (leftmost placement, unchanged base first): chr11-2884796-GC-G. GRCh37 (hg19) VCF-style: chr11-2906026-GC-G.
Other names: c.693del, p.Gln232fs (NM_000076.2, NM_001362474.2); c.660del, p.Gln221fs (NM_001122631.2); c.255+405del (NM_001362475.2); short protein forms Q221fs, Q232fs.
Identifiers: ClinVar variation 3698555 (VCV003698555.2).
Genomic context (GRCh38, chr11:2,884,796, plus strand): 5'-CCGCGGGACGTCCCGAAATCCCCGAGTGCAGCTGGTCAGCGAGAGGCTCCTGGCCGCGCT[GC>G]CCCTGGTTCGCGCCCTGCTCGGCGCTCTCTTGAGGCGCCGCGTCCGGGGCCGGGGCCGGG-3'

ClinVar aggregate classification (germline): Pathogenic (1 of 4 stars; one submission).

Conditions:
Beckwith-Wiedemann syndrome (BWS). Also called: EMG SYNDROME; Exomphalos macroglossia gigantism syndrome. Identifiers: Orphanet 116, MedGen C0004903, MONDO:0007534, OMIM 130650.

Submission:

Labcorp Genetics (formerly Invitae), Labcorp
Classification: Pathogenic for Beckwith-Wiedemann syndrome. Last evaluated: 2024-10-16. Review status: criteria provided, single submitter. Criteria: Invitae Variant Classification Sherloc (09022015). Collection method: clinical testing. Allele origin: germline.
Comment: This sequence change creates a premature translational stop signal (p.Gln232Serfs*40) in the CDKN1C gene. It is expected to result in an absent or disrupted protein product. Loss-of-function variants in CDKN1C are known to be pathogenic (PMID: 20503313). This variant is not present in population databases (gnomAD no frequency). This variant has not been reported in the literature in individuals affected with CDKN1C-related conditions. For these reasons, this variant has been classified as Pathogenic.

Literature cited by the submitters: PubMed 20503313.